The following is an entry in ClinVar:

ClinVar aggregate classification (germline): Uncertain significance (1 of 4 stars; one submission).

Conditions:
Cardiovascular phenotype. Identifiers: MedGen CN230736.

Allele frequency attached by ClinVar (database versions not stated): gnomAD exomes below 0.00001.

Submission:

Ambry Genetics
Classification: Uncertain significance for Cardiovascular phenotype. Last evaluated: 2024-05-05. Review status: criteria provided, single submitter. Criteria: Ambry Variant Classification Scheme 2023. Collection method: clinical testing. Allele origin: germline.
Comment: The p.A222V variant (also known as c.665C>T), located in coding exon 1 of the CHST14 gene, results from a C to T substitution at nucleotide position 665. The alanine at codon 222 is replaced by valine, an amino acid with similar properties. This amino acid position is conserved. In addition, this alteration is predicted to be deleterious by in silico analysis. Based on the available evidence, the clinical significance of this variant remains unclear.

NM_130468.4(CHST14):c.665C>T (p.Ala222Val)

Gene: CHST14 (carbohydrate sulfotransferase 14; plus strand). Cytogenetic location: 15q15.1.
Variant type: single nucleotide variant.
Coding change: c.665C>T on transcript NM_130468.4 (MANE Select); coding-DNA position 665, C replaced by T.
Protein change: p.Ala222Val; replaces alanine 222 with valine.
Molecular consequence: missense variant.
Genome position (GRCh38, 1-based): chr15:40,471,878, C>T. VCF-style: chr15-40471878-C-T. GRCh37 (hg19) VCF-style: chr15-40764077-C-T.
Other names: short protein forms A222V.
Identifiers: ClinVar variation 2273554 (VCV002273554.3), dbSNP rs868085915, ClinGen allele CA268822645.